The following is an entry in ClinVar:

ClinVar aggregate classification (germline): Benign. Review status: criteria provided, multiple submitters, no conflicts (2 of 4 stars). 5 submissions from 5 submitters: Benign (3). 2 of the submissions do not count toward it. Last evaluated 2026-01-28.

Conditions:
Xeroderma pigmentosum, group C (XPC). Also called: XPC-Related Xeroderma Pigmentosum; Xeroderma pigmentosum, complementation group C; XERODERMA PIGMENTOSUM III; XP, GROUP C. Identifiers: Orphanet 910, MedGen C2752147, MONDO:0010211, OMIM 278720.
XPC-related disorder. Also called: XPC-related condition.

Allele frequency attached by ClinVar (database versions not stated): ESP Exome Variant Server 0.00010; gnomAD 0.00064; TOPMed 0.00065; 1000 Genomes Project 30x 0.00094; 1000 Genomes Project 0.00100.
gnomAD v4.1: 586 of 1,613,980 alleles (0.036%); highest among the groups gnomAD compares: East Asian, 0.94%; 8 homozygotes.

Submissions (5):

Labcorp Genetics (formerly Invitae), Labcorp
Classification: Benign. Last evaluated: 2026-01-28. Review status: criteria provided, single submitter. Criteria: Invitae Variant Classification Sherloc (09022015). Collection method: clinical testing. Allele origin: germline.

Genome-Nilou Lab
Classification: Benign for Xeroderma pigmentosum, group C. Last evaluated: 2021-12-05. Review status: criteria provided, single submitter. Criteria: ACMG Guidelines, 2015. Collection method: clinical testing. Allele origin: germline. Affected: no.

Illumina Laboratory Services, Illumina
Classification: Benign for Xeroderma pigmentosum, group C. Last evaluated: 2017-04-27. Review status: criteria provided, single submitter. Criteria: ICSL Variant Classification Criteria 13 December 2019. Collection method: clinical testing. Allele origin: germline.
Comment: This variant was observed as part of a predisposition screen in an ostensibly healthy population. A literature search was performed for the gene, cDNA change, and amino acid change (where applicable). Publications were found based on this search. The evidence from the literature, in combination with allele frequency data from public databases where available, was sufficient to rule this variant out of causing disease. Therefore, this variant is classified as benign.

PreventionGenetics, part of Exact Sciences
Classification: Benign for XPC-related condition. Last evaluated: 2020-07-17. Review status: no assertion criteria provided. Collection method: clinical testing. Allele origin: germline. Not counted in ClinVar's aggregate classification.
Comment: This variant is classified as benign based on ACMG/AMP sequence variant interpretation guidelines (Richards et al. 2015 PMID: 25741868, with internal and published modifications).

ITMI
No classification provided. Condition: AllHighlyPenetrant. Last evaluated: 2013-09-19. Review status: no classification provided. Collection method: reference population. Allele origin: germline. Not counted in ClinVar's aggregate classification.
Comment: Please see associated publication for description of ethnicities

Literature cited by the submitters: PubMed 17079196 (cited by Illumina Laboratory Services, Illumina); PubMed 24728327 (cited by ITMI).

NM_004628.5(XPC):c.1539G>C (p.Met513Ile)

Gene: XPC (XPC complex subunit, DNA damage recognition and repair factor; minus strand). Cytogenetic location: 3p25.1.
Variant type: single nucleotide variant.
Coding change: c.1539G>C on transcript NM_004628.5 (MANE Select); coding-DNA position 1539, G replaced by C.
Protein change: p.Met513Ile; replaces methionine 513 with isoleucine.
Molecular consequence: missense variant. On other transcripts: non-coding transcript variant (2).
Genome position (GRCh38, 1-based): chr3:14,158,344, C>G on the plus strand (G>C on the coding strand, the complement: XPC is on the minus strand). VCF-style: chr3-14158344-C-G. GRCh37 (hg19) VCF-style: chr3-14199844-C-G.
Other names: c.960G>C, p.Met320Ile (NM_001354726.2); c.1539G>C, p.Met513Ile (NM_001354727.2, NM_001354730.2); c.1521G>C, p.Met507Ile (NM_001354729.2); short protein forms M513I, M320I, M507I.
Identifiers: ClinVar variation 135490 (VCV000135490.18), dbSNP rs3731130, ClinGen allele CA162930.
Genomic context (GRCh38, chr3:14,158,344, plus strand): 5'-CTCTAGCCACTGGTCTATACCAGCTATGCTTCTTTTTTCTGCCTTCTCACCATCGCTGCA[C>G]ATTTTCTTGCCTCTTTTACTGCTTGAAGAGCTTGAGGATGCCGCTGGCAAGCTTGGGTCC-3'
Protein context (NP_004619.3, residues 503-523): SSSSSKRGKK[Met513Ile]CSDGEKAEKR